The following is an entry in ClinVar:

ClinVar aggregate classification (germline): Likely pathogenic (1 of 4 stars; one submission).

Conditions:
Hereditary spastic paraplegia 73. Also called: Spastic paraplegia 73, autosomal dominant. Identifiers: Orphanet 444099, MedGen C5568981, MONDO:0014568, OMIM 616282.

gnomAD v4.1: 7 of 1,613,954 alleles (0.00043%); highest among the groups gnomAD compares: Non-Finnish European, 0.00051%; no homozygotes.

Submission:

Genetic Foundation of Khorasan Razavi (GFKR)
Classification: Likely pathogenic for Hereditary spastic paraplegia 73. Review status: criteria provided, single submitter. Criteria: ACMG Guidelines, 2015. Collection method: clinical testing. Allele origin: de novo. Affected: yes. Observed: 1 heterozygote.
Comment: This stop-gain variant(p.Arg245* ) is expected to result in nonsense-mediated decay or a severely truncated protein. Loss of function is a well-established disease mechanism for this gene, supporting pathogenicity. The variant is very rare from population databases, consistent with the rarity expected for a pathogenic allele. Taken together, these findings support a pathogenic classification according to ACMG/AMP guidelines.

NM_001199753.2(CPT1C):c.733C>T (p.Arg245Ter)

Gene: CPT1C (carnitine palmitoyltransferase 1C; plus strand). Cytogenetic location: 19q13.33.
Variant type: single nucleotide variant.
Coding change: c.733C>T on transcript NM_001199753.2 (MANE Select); coding-DNA position 733, C replaced by T.
Protein change: p.Arg245Ter; replaces arginine 245 with a stop codon.
Molecular consequence: nonsense. On other transcripts: non-coding transcript variant (1).
Genome position (GRCh38, 1-based): chr19:49,704,749, C>T. VCF-style: chr19-49704749-C-T. GRCh37 (hg19) VCF-style: chr19-50208006-C-T.
Other names: c.733C>T, p.Arg245Ter (NM_001136052.3, NM_001199752.3, NM_001378482.1 and 7 more transcripts); short protein forms R245*.
Identifiers: ClinVar variation 4537455 (VCV004537455.1).